The following is an entry in ClinVar:

ClinVar aggregate classification (germline): Uncertain significance (1 of 4 stars; one submission).

Submission:

GeneDx
Classification: Uncertain significance. Last evaluated: 2025-05-28. Review status: criteria provided, single submitter. Criteria: GeneDx Variant Classification Process June 2021. Collection method: clinical testing. Allele origin: germline. Affected: yes.
Comment: Not observed at significant frequency in large population cohorts (gnomAD); In silico analysis suggests that this missense variant does not alter protein structure/function; Has not been previously published as pathogenic or benign to our knowledge; This substitution is predicted to be within the N-terminal cytoplasmic domain

NM_001330260.2(SCN8A):c.58G>C (p.Glu20Gln)

Genes: SCN8A (sodium voltage-gated channel alpha subunit 8; plus strand), LOC114803470 (SCN8A eExon liver enhancer; plus strand). Cytogenetic location: 12q13.13.
Variant type: single nucleotide variant.
Coding change: c.58G>C on transcript NM_001330260.2 (MANE Select); coding-DNA position 58, G replaced by C.
Protein change: p.Glu20Gln; replaces glutamic acid 20 with glutamine.
Molecular consequence: missense variant.
Genome position (GRCh38, 1-based): chr12:51,662,875, G>C. VCF-style: chr12-51662875-G-C. GRCh37 (hg19) VCF-style: chr12-52056659-G-C.
Other names: c.58G>C, p.Glu20Gln (NM_001177984.3, NM_001369788.1, NM_014191.4); short protein forms E20Q.
Identifiers: ClinVar variation 4532559 (VCV004532559.1).